The following is an entry in ClinVar:

ClinVar aggregate classification (germline): Pathogenic (1 of 4 stars; one submission).

gnomAD v4.1: 1 of 1,614,178 alleles (0.000062%); highest among the groups gnomAD compares: Non-Finnish European, 0.000085%; no homozygotes.

Submission:

Labcorp Genetics (formerly Invitae), Labcorp
Classification: Pathogenic. Last evaluated: 2023-10-28. Review status: criteria provided, single submitter. Criteria: Invitae Variant Classification Sherloc (09022015). Collection method: clinical testing. Allele origin: germline.
Comment: This sequence change creates a premature translational stop signal (p.Trp1600*) in the ALPK3 gene. It is expected to result in an absent or disrupted protein product. Loss-of-function variants in ALPK3 are known to be pathogenic (PMID: 21441111, 26846950, 27106955, 34263907). This variant is not present in population databases (gnomAD no frequency). This variant has not been reported in the literature in individuals affected with ALPK3-related conditions. Algorithms developed to predict the effect of sequence changes on RNA splicing suggest that this variant may disrupt the consensus splice site. For these reasons, this variant has been classified as Pathogenic.

Literature cited by the submitters: PubMed 21441111; PubMed 26846950; PubMed 27106955; PubMed 34263907.

NM_020778.5(ALPK3):c.4193G>A (p.Trp1398Ter)

Gene: ALPK3 (alpha kinase 3; plus strand). Cytogenetic location: 15q25.3.
Variant type: single nucleotide variant.
Coding change: c.4193G>A on transcript NM_020778.5 (MANE Select); coding-DNA position 4193, G replaced by A.
Protein change: p.Trp1398Ter; replaces tryptophan 1398 with a stop codon.
Molecular consequence: nonsense.
Genome position (GRCh38, 1-based): chr15:84,862,698, G>A. VCF-style: chr15-84862698-G-A. GRCh37 (hg19) VCF-style: chr15-85405929-G-A.
Other names: short protein forms W1398*.
Identifiers: ClinVar variation 2845004 (VCV002845004.3), dbSNP rs756411505, ClinGen allele CA393362699.